The following is an entry in ClinVar:

ClinVar aggregate classification (germline): Uncertain significance (1 of 4 stars; one submission).

Conditions:
Werner syndrome (WRN). Identifiers: Orphanet 902, MedGen C0043119, MONDO:0010196, OMIM 277700.

gnomAD v4.1: 1 of 1,614,134 alleles (0.000062%); no homozygotes.

Submission:

Labcorp Genetics (formerly Invitae), Labcorp
Classification: Uncertain significance for Werner syndrome. Last evaluated: 2019-09-17. Review status: criteria provided, single submitter. Criteria: Invitae Variant Classification Sherloc (09022015). Collection method: clinical testing. Allele origin: germline.
Comment: In summary, the available evidence is currently insufficient to determine the role of this variant in disease. Therefore, it has been classified as a Variant of Uncertain Significance. Algorithms developed to predict the effect of sequence changes on RNA splicing suggest that this variant may create or strengthen a splice site, but this prediction has not been confirmed by published transcriptional studies. Algorithms developed to predict the effect of missense changes on protein structure and function output the following: SIFT: "Tolerated"; PolyPhen-2: "Benign"; Align-GVGD: "Class C0". The valine amino acid residue is found in multiple mammalian species, suggesting that this missense change does not adversely affect protein function. These predictions have not been confirmed by published functional studies and their clinical significance is uncertain. This variant has not been reported in the literature in individuals with WRN-related conditions. This variant is not present in population databases (ExAC no frequency). This sequence change replaces leucine with valine at codon 99 of the WRN protein (p.Leu99Val). The leucine residue is weakly conserved and there is a small physicochemical difference between leucine and valine.

NM_000553.6(WRN):c.295C>G (p.Leu99Val)

Gene: WRN (WRN RecQ like helicase; plus strand). Cytogenetic location: 8p12.
Variant type: single nucleotide variant.
Coding change: c.295C>G on transcript NM_000553.6 (MANE Select); coding-DNA position 295, C replaced by G.
Protein change: p.Leu99Val; replaces leucine 99 with valine.
Molecular consequence: missense variant.
Genome position (GRCh38, 1-based): chr8:31,064,374, C>G. VCF-style: chr8-31064374-C-G. GRCh37 (hg19) VCF-style: chr8-30921890-C-G.
Other names: short protein forms L99V.
Identifiers: ClinVar variation 939882 (VCV000939882.5), dbSNP rs1585408279, ClinGen allele CA370914250.
Genomic context (GRCh38, chr8:31,064,374, plus strand): 5'-GTGGGATTTGACATGGAGTGGCCACCATTATACAATAGAGGGAAACTTGGCAAAGTTGCA[C>G]TAATTCAGTTGTGTGTTTCTGAGAGCAAATGTTACTTGTTCCACGTTTCTTCCATGTCAG-3'
Protein context (NP_000544.2, residues 89-109): YNRGKLGKVA[Leu99Val]IQLCVSESKC